The following is an entry in ClinVar:

ClinVar aggregate classification (germline): Uncertain significance (1 of 4 stars; one submission).

Conditions:
Congenital contractural arachnodactyly (CCA). Also called: Arthrogryposis, distal, type 9; BEALS SYNDROME; Beals-Hecht syndrome. Identifiers: Orphanet 115, MedGen C0220668, MONDO:0007363, OMIM 121050.

Submission:

Labcorp Genetics (formerly Invitae), Labcorp
Classification: Uncertain significance for Congenital contractural arachnodactyly. Last evaluated: 2024-08-22. Review status: criteria provided, single submitter. Criteria: Invitae Variant Classification Sherloc (09022015). Collection method: clinical testing. Allele origin: germline.
Comment: This sequence change falls in intron 64 of the FBN2 gene. It does not directly change the encoded amino acid sequence of the FBN2 protein. It affects a nucleotide within the consensus splice site. This variant is not present in population databases (gnomAD no frequency). This variant has not been reported in the literature in individuals affected with FBN2-related conditions. Variants that disrupt the consensus splice site are a relatively common cause of aberrant splicing (PMID: 17576681, 9536098). Algorithms developed to predict the effect of sequence changes on RNA splicing suggest that this variant may create or strengthen a splice site. In summary, the available evidence is currently insufficient to determine the role of this variant in disease. Therefore, it has been classified as a Variant of Uncertain Significance.

Literature cited by the submitters: PubMed 17576681; PubMed 9536098.

NM_001999.4(FBN2):c.8365-3C>G

Gene: FBN2 (fibrillin 2; minus strand). Cytogenetic location: 5q23.3.
Variant type: single nucleotide variant.
Coding change: c.8365-3C>G on transcript NM_001999.4 (MANE Select); 3 bases into the intron before coding-DNA position 8365, C replaced by G.
Molecular consequence: intron variant.
Genome position (GRCh38, 1-based): chr5:128,259,832, G>C on the plus strand (C>G on the coding strand, the complement: FBN2 is on the minus strand). VCF-style: chr5-128259832-G-C. GRCh37 (hg19) VCF-style: chr5-127595524-G-C.
Identifiers: ClinVar variation 3713117 (VCV003713117.2).